The following is an entry in ClinVar:

ClinVar aggregate classification (germline): Uncertain significance (1 of 4 stars; one submission).

gnomAD v4.1: 2 of 1,605,830 alleles (0.00012%); highest among the groups gnomAD compares: Non-Finnish European, 0.00017%; no homozygotes.

Submission:

GeneDx
Classification: Uncertain significance. Last evaluated: 2024-05-16. Review status: criteria provided, single submitter. Criteria: GeneDx Variant Classification Process June 2021. Collection method: clinical testing. Allele origin: germline. Affected: yes.
Comment: Not observed at significant frequency in large population cohorts (gnomAD); In silico analysis supports that this missense variant has a deleterious effect on protein structure/function; Has not been previously published as pathogenic or benign to our knowledge

NM_000786.4(CYP51A1):c.1374A>C (p.Glu458Asp)

Gene: CYP51A1 (cytochrome P450 family 51 subfamily A member 1; minus strand). Cytogenetic location: 7q21.2.
Variant type: single nucleotide variant.
Coding change: c.1374A>C on transcript NM_000786.4 (MANE Select); coding-DNA position 1374, A replaced by C.
Protein change: p.Glu458Asp; replaces glutamic acid 458 with aspartic acid.
Molecular consequence: missense variant.
Genome position (GRCh38, 1-based): chr7:92,113,821, T>G on the plus strand (A>C on the coding strand, the complement: CYP51A1 is on the minus strand). VCF-style: chr7-92113821-T-G. GRCh37 (hg19) VCF-style: chr7-91743135-T-G.
Other names: c.1059A>C, p.Glu353Asp (NM_001146152.2); short protein forms E353D, E458D.
Identifiers: ClinVar variation 3384594 (VCV003384594.1).